The following is an entry in ClinVar:

ClinVar aggregate classification (germline): Uncertain significance. Review status: criteria provided, multiple submitters, no conflicts (2 of 4 stars). 3 submissions from 3 submitters: Uncertain significance (3). Last evaluated 2025-11-24.

Conditions:
Hereditary cancer-predisposing syndrome. Also called: Hereditary neoplastic syndrome; Neoplastic Syndromes, Hereditary; Tumor predisposition; Hereditary Cancer Syndrome. Identifiers: Orphanet 140162, MedGen C0027672, MeSH D009386, MONDO:0015356.
Hereditary pheochromocytoma and paraganglioma. Also called: Hereditary Paraganglioma-Pheochromocytoma Syndromes; Hereditary paragangliomas and pheochromocytomas; Hereditary pheochromocytoma-paraganglioma. Identifiers: Orphanet 29072, MedGen C4274332, MONDO:0017366.

Allele frequency attached by ClinVar (database versions not stated): gnomAD exomes below 0.00001; gnomAD 0.00001; TOPMed 0.00001.
gnomAD v4.1: 6 of 1,606,850 alleles (0.00037%); highest among the groups gnomAD compares: Non-Finnish European, 0.00051%; no homozygotes.

Submissions (3):

Labcorp Genetics (formerly Invitae), Labcorp
Classification: Uncertain significance for Hereditary pheochromocytoma and paraganglioma. Last evaluated: 2025-11-24. Review status: criteria provided, single submitter. Criteria: Invitae Variant Classification Sherloc (09022015). Collection method: clinical testing. Allele origin: germline.
Comment: This sequence change replaces glutamic acid, which is acidic and polar, with glycine, which is neutral and non-polar, at codon 14 of the MAX protein (p.Glu14Gly). This variant is present in population databases (no rsID available, gnomAD 0.0009%). This variant has not been reported in the literature in individuals affected with MAX-related conditions. ClinVar contains an entry for this variant (Variation ID: 234154). Invitae Evidence Modeling incorporating data from in vitro experimental studies (internal data) indicates that this missense variant is not expected to disrupt MAX function with a negative predictive value of 95%. In summary, the available evidence is currently insufficient to determine the role of this variant in disease. Therefore, it has been classified as a Variant of Uncertain Significance.

Ambry Genetics
Classification: Uncertain significance for Hereditary cancer-predisposing syndrome. Last evaluated: 2024-07-03. Review status: criteria provided, single submitter. Criteria: Ambry Variant Classification Scheme 2023. Collection method: clinical testing. Allele origin: germline.
Comment: The p.E14G variant (also known as c.41A>G), located in coding exon 2 of the MAX gene, results from an A to G substitution at nucleotide position 41. The glutamic acid at codon 14 is replaced by glycine, an amino acid with similar properties. This amino acid position is well conserved in available vertebrate species. In addition, the in silico prediction for this alteration is inconclusive. Since supporting evidence is limited at this time, the clinical significance of this alteration remains unclear.

GeneDx
Classification: Uncertain significance. Last evaluated: 2024-03-01. Review status: criteria provided, single submitter. Criteria: GeneDx Variant Classification Process June 2021. Collection method: clinical testing. Allele origin: germline. Affected: yes.
Comment: Not observed at significant frequency in large population cohorts (gnomAD); In silico analysis supports that this missense variant does not alter protein structure/function; Has not been previously published as pathogenic or benign to our knowledge

NM_002382.5(MAX):c.41A>G (p.Glu14Gly)

Gene: MAX (MYC associated transcriptional regulator X; minus strand). Cytogenetic location: 14q23.3.
Variant type: single nucleotide variant.
Coding change: c.41A>G on transcript NM_002382.5 (MANE Select); coding-DNA position 41, A replaced by G.
Protein change: p.Glu14Gly; replaces glutamic acid 14 with glycine.
Molecular consequence: missense variant. On other transcripts: 5 prime UTR variant (1), intron variant (3).
Genome position (GRCh38, 1-based): chr14:65,101,568, T>C on the plus strand (A>G on the coding strand, the complement: MAX is on the minus strand). VCF-style: chr14-65101568-T-C. GRCh37 (hg19) VCF-style: chr14-65568286-T-C.
Other names: c.-234A>G (NM_001320415.2); c.41A>G, p.Glu14Gly (NM_145113.3, NM_145114.3, NM_197957.4); c.36+736A>G (NM_001271069.2, NM_145112.3, NM_001271068.2); short protein forms E14G.
Identifiers: ClinVar variation 234154 (VCV000234154.16), dbSNP rs876660888, ClinGen allele CA10579868.
Genomic context (GRCh38, chr14:65,101,568, plus strand): 5'-AACGGAAATAAAAATGAAATGGAGAGTAGGAGACGTACCGCAGATTGAAACCTCGGTTGC[T>C]CTTCCTGGAATAAGAGAGAAAAAAAAAAATAGAAAATATAGAAGTTATTTTTACACTTAA-3'
Protein context (NP_002373.3, residues 4-24): NDDIEVESDE[Glu14Gly]QPRFQSAADK